The following is an entry in ClinVar:

ClinVar aggregate classification (germline): Uncertain significance (1 of 4 stars; one submission).

Submission:

Labcorp Genetics (formerly Invitae), Labcorp
Classification: Uncertain significance. Last evaluated: 2022-08-23. Review status: criteria provided, single submitter. Criteria: Invitae Variant Classification Sherloc (09022015). Collection method: clinical testing. Allele origin: germline.
Comment: This sequence change replaces glutamine, which is neutral and polar, with histidine, which is basic and polar, at codon 388 of the ANGPT1 protein (p.Gln388His). This variant is not present in population databases (gnomAD no frequency). This variant has not been reported in the literature in individuals affected with ANGPT1-related conditions. ClinVar contains an entry for this variant (Variation ID: 1475636). Algorithms developed to predict the effect of missense changes on protein structure and function are either unavailable or do not agree on the potential impact of this missense change (SIFT: "Deleterious"; PolyPhen-2: "Benign"; Align-GVGD: "Class C0"). In summary, the available evidence is currently insufficient to determine the role of this variant in disease. Therefore, it has been classified as a Variant of Uncertain Significance.

NM_001146.5(ANGPT1):c.1164G>T (p.Gln388His)

Gene: ANGPT1 (angiopoietin 1; minus strand). Cytogenetic location: 8q23.1.
Variant type: single nucleotide variant.
Coding change: c.1164G>T on transcript NM_001146.5 (MANE Select); coding-DNA position 1164, G replaced by T.
Protein change: p.Gln388His; replaces glutamine 388 with histidine.
Molecular consequence: missense variant.
Genome position (GRCh38, 1-based): chr8:107,284,723, C>A on the plus strand (G>T on the coding strand, the complement: ANGPT1 is on the minus strand). VCF-style: chr8-107284723-C-A. GRCh37 (hg19) VCF-style: chr8-108296951-C-A.
Other names: c.1161G>T, p.Gln387His (NM_001199859.3); c.564G>T, p.Gln188His (NM_001314051.2); short protein forms Q188H, Q388H, Q387H.
Identifiers: ClinVar variation 1475636 (VCV001475636.8), dbSNP rs2130136174, ClinGen allele CA372032635.